The following is an entry in ClinVar:

ClinVar aggregate classification (germline): Likely pathogenic. Review status: criteria provided, single submitter (1 of 4 stars). 2 submissions from 2 submitters: Likely pathogenic (1). 1 of the submissions does not count toward it. Last evaluated 2025-06-18.

Conditions:
Craniosynostosis syndrome. Also called: Craniosynostosis. Identifiers: Orphanet 1531, MedGen C0010278, MeSH D003398, MONDO:0015469, HP:0001363.

Allele frequency attached by ClinVar (database versions not stated): gnomAD exomes below 0.00001.
gnomAD v4.1: 1 of 1,614,060 alleles (0.000062%); highest among the groups gnomAD compares: Non-Finnish European, 0.000085%; no homozygotes.

Submissions (2):

GeneDx
Classification: Likely pathogenic. Last evaluated: 2025-06-18. Review status: criteria provided, single submitter. Criteria: GeneDx Variant Classification Process June 2021. Collection method: clinical testing. Allele origin: germline. Affected: yes.
Comment: Not observed at significant frequency in large population cohorts (gnomAD); In silico analysis supports that this missense variant has a deleterious effect on protein structure/function; This variant is associated with the following publications: (PMID: 31292255)

Yale Center for Mendelian Genomics, Yale University
Classification: Likely pathogenic for Craniosynostosis syndrome. Last evaluated: 2019-07-23. Review status: no assertion criteria provided. Collection method: literature only. Allele origin: de novo. Affected: yes. Observed: 1 heterozygote. Study: Yale Center for Mendelian Genomics. Not counted in ClinVar's aggregate classification.

Literature cited by the submitters: PubMed 31292255 (cited by Yale Center for Mendelian Genomics, Yale University).

NM_001374353.1(GLI2):c.1600G>A (p.Ala534Thr)

Gene: GLI2 (GLI family zinc finger 2; plus strand). Cytogenetic location: 2q14.2.
Variant type: single nucleotide variant.
Coding change: c.1600G>A on transcript NM_001374353.1 (MANE Select); coding-DNA position 1600, G replaced by A.
Protein change: p.Ala534Thr; replaces alanine 534 with threonine.
Molecular consequence: missense variant.
Genome position (GRCh38, 1-based): chr2:120,982,848, G>A. VCF-style: chr2-120982848-G-A. GRCh37 (hg19) VCF-style: chr2-121740424-G-A.
Other names: c.1651G>A, p.Ala551Thr (NM_001371271.1, NM_005270.5); c.1225G>A, p.Ala409Thr (NM_001374354.1); short protein forms A409T, A534T, A551T.
Identifiers: ClinVar variation 1344680 (VCV001344680.2), dbSNP rs1340215600, ClinGen allele CA348162432.